The following is an entry in ClinVar:

NM_000271.5(NPC1):c.1947+8dup

Gene: NPC1 (NPC intracellular cholesterol transporter 1; minus strand). Cytogenetic location: 18q11.2.
Variant type: Duplication.
Coding change: c.1947+8dup on transcript NM_000271.5 (MANE Select); 8 bases into the intron after coding-DNA position 1947, one base duplicated (G; older notation c.1947+8dupG).
Molecular consequence: intron variant.
Genome position (GRCh38, 1-based): chr18:23,544,944, C duplicated on the plus strand (G on the coding strand, the reverse complement: NPC1 is on the minus strand); the first of 9 consecutive C bases (chr18:23,544,944-23,544,952); duplicating any one gives the same sequence. VCF-style (leftmost placement, unchanged base first): chr18-23544943-A-AC. GRCh37 (hg19) VCF-style: chr18-21124907-A-AC.
Other names: p.?; c.1947+16dup (NM_000271.5); c.1947+16dupG (NM_000271.4).
Identifiers: ClinVar variation 193982 (VCV000193982.22), dbSNP rs3837910, ClinGen allele CA200891.

ClinVar aggregate classification (germline): Benign/Likely benign. Review status: criteria provided, multiple submitters, no conflicts (2 of 4 stars). 14 submissions from 11 submitters: Benign (5); Likely benign (2). 7 of the submissions do not count toward it. Last evaluated 2026-02-04.

Conditions:
NPC1-related disorder. Also called: NPC1-related condition.
Niemann-Pick disease, type C1. Also called: NEUROVISCERAL STORAGE DISEASE WITH VERTICAL SUPRANUCLEAR OPHTHALMOPLEGIA; NIEMANN-PICK DISEASE WITH CHOLESTEROL ESTERIFICATION BLOCK; NIEMANN-PICK DISEASE WITHOUT SPHINGOMYELINASE DEFICIENCY; NIEMANN-PICK DISEASE, CHRONIC NEURONOPATHIC FORM; NIEMANN-PICK DISEASE, VARIANT TYPE C1. Identifiers: Orphanet 646, MedGen C3179455, MONDO:0009757, OMIM 257220.

Submissions (14):

Labcorp Genetics (formerly Invitae), Labcorp
Classification: Benign for Niemann-Pick disease, type C1. Last evaluated: 2026-02-04. Review status: criteria provided, single submitter. Criteria: Invitae Variant Classification Sherloc (09022015). Collection method: clinical testing. Allele origin: germline.

Mayo Clinic Laboratories, Mayo Clinic
Classification: Likely benign. Last evaluated: 2025-08-25. Review status: criteria provided, single submitter. Criteria: ACMG Guidelines, 2015. Collection method: clinical testing. Allele origin: germline. Observed: 181 variant alleles.
Comment: BP4, BP7

Women's Health and Genetics/Laboratory Corporation of America, LabCorp
Classification: Benign. Last evaluated: 2018-01-25. Review status: criteria provided, single submitter. Criteria: LabCorp Variant Classification Summary - May 2015. Collection method: clinical testing. Allele origin: germline.
Comment: Variant summary: The NPC1 c.1947+16dupG variant involves the alteration of a non-conserved intronic nucleotide. One in silico tool predicts a benign outcome for this variant. 5/5 splice prediction tools predict no significant impact on normal splicing. This variant was found in 803/5008 control chromosomes at a frequency of 0.1603435 (in the 1000 Genomes Project), which is approximately 60 times the estimated maximal expected allele frequency of a pathogenic NPC1 variant (0.0027735), suggesting this variant is likely a benign polymorphism. In addition, multiple clinical diagnostic laboratories classified this variant as benign. The variant of interest has not, to our knowledge, been reported in affected individuals via publications nor evaluated for functional impact by in vivo/vitro studies. Taken together, this variant is classified as benign.

Genome Diagnostics Laboratory, University Medical Center Utrecht
Classification: Likely benign for Niemann-Pick disease, type C1. Last evaluated: 2016-11-08. Review status: criteria provided, single submitter. Criteria: ACGS Guidelines, 2013. Collection method: clinical testing. Allele origin: germline. Affected: yes. Study: VKGL Data-share Consensus.

Clinical Genetics DNA and cytogenetics Diagnostics Lab, Erasmus MC, Erasmus Medical Center
Classification: Benign for Niemann-Pick disease, type C1. Last evaluated: 2015-09-21. Review status: criteria provided, single submitter. Criteria: ACGS Guidelines, 2013. Collection method: clinical testing. Allele origin: germline. Affected: yes. Study: VKGL Data-share Consensus.

GeneDx
Classification: Benign. Last evaluated: 2015-04-21. Review status: criteria provided, single submitter. Criteria: GeneDx Variant Classification (06012015). Collection method: clinical testing. Allele origin: germline. Affected: yes.
Comment: This variant is considered likely benign or benign based on one or more of the following criteria: it is a conservative change, it occurs at a poorly conserved position in the protein, it is predicted to be benign by multiple in silico algorithms, and/or has population frequency not consistent with disease.

Eurofins Ntd Llc (ga)
Classification: Benign. Last evaluated: 2014-12-01. Review status: criteria provided, single submitter. Criteria: EGL Classification Definitions. Collection method: clinical testing. Allele origin: germline. Observed: 12 variant alleles, 10 heterozygotes, 2 homozygotes.

PreventionGenetics, part of Exact Sciences
Classification: Likely benign for NPC1-related condition. Last evaluated: 2023-10-11. Review status: no assertion criteria provided. Collection method: clinical testing. Allele origin: germline. Not counted in ClinVar's aggregate classification.
Comment: This variant is classified as likely benign based on ACMG/AMP sequence variant interpretation guidelines (Richards et al. 2015 PMID: 25741868, with internal and published modifications).

Genome Diagnostics Laboratory, Amsterdam University Medical Center
Classification: Benign for Niemann-Pick disease, type C1. Last evaluated: 2016-05-09. Review status: no assertion criteria provided. Criteria: ACGS Guidelines, 2013. Collection method: clinical testing. Allele origin: germline. Affected: yes. Study: VKGL Data-share Consensus. Not counted in ClinVar's aggregate classification.

Clinical Genetics DNA and cytogenetics Diagnostics Lab, Erasmus MC, Erasmus Medical Center
Classification: Benign. Review status: no assertion criteria provided. Collection method: clinical testing. Allele origin: germline. Affected: yes. Study: VKGL Data-share Consensus. Not counted in ClinVar's aggregate classification.

Clinical Genetics, Academic Medical Center
Classification: Likely benign. Review status: no assertion criteria provided. Collection method: clinical testing. Allele origin: germline. Affected: yes. Study: VKGL Data-share Consensus. Not counted in ClinVar's aggregate classification.

Diagnostic Laboratory, Department of Genetics, University Medical Center Groningen
Classification: Benign for Niemann-Pick disease, type C1. Review status: no assertion criteria provided. Collection method: clinical testing. Allele origin: germline. Affected: yes. Study: VKGL Data-share Consensus. Not counted in ClinVar's aggregate classification.

Genome Diagnostics Laboratory, Amsterdam University Medical Center
Classification: Benign. Review status: no assertion criteria provided. Collection method: clinical testing. Allele origin: germline. Affected: yes. Study: VKGL Data-share Consensus. Not counted in ClinVar's aggregate classification.

Diagnostic Laboratory, Department of Genetics, University Medical Center Groningen
Classification: Benign for Niemann-Pick disease, type C1. Review status: flagged submission. Collection method: clinical testing. Allele origin: germline. Affected: yes. Study: VKGL Data-share Consensus. Not counted in ClinVar's aggregate classification.
ClinVar note: Reason: This record appears to be redundant with a more recent record from the same submitter.
ClinVar note: Notes: SCV000733763 appears to be redundant with SCV000733764.